The following is an entry in ClinVar:

NM_022114.4(PRDM16):c.1113C>T (p.Cys371=)

Gene: PRDM16 (PR/SET domain 16; plus strand). Cytogenetic location: 1p36.32.
Variant type: single nucleotide variant.
Coding change: c.1113C>T on transcript NM_022114.4 (MANE Select); coding-DNA position 1113, C replaced by T.
Protein change: p.Cys371=; no amino-acid change (cysteine 371 retained).
Molecular consequence: synonymous variant.
Genome position (GRCh38, 1-based): chr1:3,405,575, C>T. VCF-style: chr1-3405575-C-T. GRCh37 (hg19) VCF-style: chr1-3322139-C-T.
Other names: p.Cys371=; c.1113C>T, p.Cys371= (NM_199454.3).
Identifiers: ClinVar variation 227022 (VCV000227022.24), dbSNP rs61745281, ClinGen allele CA544101.

ClinVar aggregate classification (germline): Benign. Review status: criteria provided, multiple submitters, no conflicts (2 of 4 stars). 10 submissions from 10 submitters: Benign (7). 3 of the submissions do not count toward it. Last evaluated 2026-02-02.

Conditions:
Left ventricular noncompaction 8 (LVNC8). Identifiers: Orphanet 154, Orphanet 54260, MedGen C3809288, MONDO:0014152, OMIM 615373.

Allele frequency attached by ClinVar (database versions not stated): gnomAD exomes 0.00667 and 0.00283; ExAC 0.00811; gnomAD 0.02386 and 0.02560; TOPMed 0.02683; 1000 Genomes Project 0.02776; 1000 Genomes Project 30x 0.02811; ESP Exome Variant Server 0.02843.
gnomAD v4.1: 7,982 of 1,611,340 alleles (0.5%); highest among the groups gnomAD compares: African/African-American, 8.5%; 302 homozygotes.

Submissions (10):

Labcorp Genetics (formerly Invitae), Labcorp
Classification: Benign for Left ventricular noncompaction 8. Last evaluated: 2026-02-02. Review status: criteria provided, single submitter. Criteria: Invitae Variant Classification Sherloc (09022015). Collection method: clinical testing. Allele origin: germline.

ARUP Laboratories, Molecular Genetics and Genomics, ARUP Laboratories
Classification: Benign. Last evaluated: 2025-04-08. Review status: criteria provided, single submitter. Criteria: ARUP Molecular Germline Variant Investigation Process 2024. Collection method: clinical testing. Allele origin: germline.

Mayo Clinic Laboratories, Mayo Clinic
Classification: Benign. Last evaluated: 2023-09-29. Review status: criteria provided, single submitter. Criteria: ACMG Guidelines, 2015. Collection method: clinical testing. Allele origin: germline. Observed: 21 variant alleles.

Women's Health and Genetics/Laboratory Corporation of America, LabCorp
Classification: Benign. Last evaluated: 2023-04-17. Review status: criteria provided, single submitter. Criteria: LabCorp Variant Classification Summary - May 2015. Collection method: clinical testing. Allele origin: germline.

GeneDx
Classification: Benign. Last evaluated: 2016-09-30. Review status: criteria provided, single submitter. Criteria: GeneDx Variant Classification (06012015). Collection method: clinical testing. Allele origin: germline. Affected: yes.
Comment: This variant is considered likely benign or benign based on one or more of the following criteria: it is a conservative change, it occurs at a poorly conserved position in the protein, it is predicted to be benign by multiple in silico algorithms, and/or has population frequency not consistent with disease.

Laboratory for Molecular Medicine, Mass General Brigham Personalized Medicine
Classification: Benign. Last evaluated: 2014-11-24. Review status: criteria provided, single submitter. Criteria: LMM Criteria. Collection method: clinical testing. Allele origin: germline. Observed: 20 variant alleles.
Comment: Cys371Cys in exon 8 of PRDM16: This variant is not expected to have clinical sig nificance because it does not alter an amino acid residue and is not located wit hin the splice consensus sequence. It has been identified in 8.3% (363/4398) of African American chromosomes from a broad population by the NHLBI Exome Sequenci ng Project (dbSNP rs61745281).

Breakthrough Genomics
Classification: Benign. Review status: criteria provided, single submitter. Criteria: ACMG Guidelines, 2015. Collection method: not provided. Allele origin: germline. Inheritance: Autosomal dominant inheritance. Affected: yes.

Clinical Genetics DNA and cytogenetics Diagnostics Lab, Erasmus MC, Erasmus Medical Center
Classification: Benign. Review status: no assertion criteria provided. Collection method: clinical testing. Allele origin: germline. Affected: yes. Study: VKGL Data-share Consensus. Not counted in ClinVar's aggregate classification.

Clinical Genetics, Academic Medical Center
Classification: Benign. Review status: no assertion criteria provided. Collection method: clinical testing. Allele origin: germline. Affected: yes. Study: VKGL Data-share Consensus. Not counted in ClinVar's aggregate classification.

Joint Genome Diagnostic Labs from Nijmegen and Maastricht, Radboudumc and MUMC+
Classification: Benign. Review status: no assertion criteria provided. Collection method: clinical testing. Allele origin: germline. Affected: yes. Study: VKGL Data-share Consensus. Not counted in ClinVar's aggregate classification.